The following is an entry in ClinVar:

NM_000256.3(MYBPC3):c.2271G>A (p.Val757=)

Gene: MYBPC3 (myosin binding protein C3; minus strand). Cytogenetic location: 11p11.2.
Variant type: single nucleotide variant.
Coding change: c.2271G>A on transcript NM_000256.3 (MANE Select); coding-DNA position 2271, G replaced by A.
Protein change: p.Val757=; no amino-acid change (valine 757 retained).
Molecular consequence: synonymous variant.
Genome position (GRCh38, 1-based): chr11:47,338,557, C>T on the plus strand (G>A on the coding strand, the complement: MYBPC3 is on the minus strand). VCF-style: chr11-47338557-C-T. GRCh37 (hg19) VCF-style: chr11-47360108-C-T.
Other names: c.2271G>A, p.Val757= (LRG_386t1).
Identifiers: ClinVar variation 381782 (VCV000381782.3), dbSNP rs766029254, ClinGen allele CA078605.
Genomic context (GRCh38, chr11:47,338,557, plus strand): 5'-GCTTGGACCCCGGCCGGCCTCACCGATGACCTTGACTGTGAGGTTGACCTGGTCCTCGCC[C>T]ACAGGGTTCTTCACTGTGACCGTGTAGACGCCCTCATCTTCCTTCTCTGCCCCCTCGACC-3'
Protein context (NP_000247.2, residues 747-767): GVYTVTVKNP[Val757=]GEDQVNLTVK

ClinVar aggregate classification (germline): Likely benign. Review status: criteria provided, multiple submitters, no conflicts (2 of 4 stars). 2 submissions from 2 submitters: Likely benign (2). Last evaluated 2024-10-21.

Conditions:
Hypertrophic cardiomyopathy. Also called: HYPERTROPHIC MYOCARDIOPATHY. Identifiers: Orphanet 217569, MedGen C0007194, MeSH D002312, MONDO:0005045, HP:0001639.

Allele frequency attached by ClinVar (database versions not stated): ExAC 0.00001; gnomAD exomes 0.00001.
gnomAD v4.1: 1 of 1,614,046 alleles (0.000062%); no homozygotes.

Submissions (2):

Labcorp Genetics (formerly Invitae), Labcorp
Classification: Likely benign for Hypertrophic cardiomyopathy. Last evaluated: 2024-10-21. Review status: criteria provided, single submitter. Criteria: Invitae Variant Classification Sherloc (09022015). Collection method: clinical testing. Allele origin: germline.

GeneDx
Classification: Likely benign. Last evaluated: 2015-11-23. Review status: criteria provided, single submitter. Criteria: GeneDx Variant Classification (06012015). Collection method: clinical testing. Allele origin: germline. Affected: yes.
Comment: This variant is considered likely benign or benign based on one or more of the following criteria: it is a conservative change, it occurs at a poorly conserved position in the protein, it is predicted to be benign by multiple in silico algorithms, and/or has population frequency not consistent with disease.